The following is an entry in ClinVar:

NM_031892.3(SH3KBP1):c.1956+5G>A

Gene: SH3KBP1 (SH3 domain containing kinase binding protein 1; minus strand). Cytogenetic location: Xp22.12.
Variant type: single nucleotide variant.
Coding change: c.1956+5G>A on transcript NM_031892.3 (MANE Select); 5 bases into the intron after coding-DNA position 1956, G replaced by A.
Molecular consequence: intron variant.
Genome position (GRCh38, 1-based): chrX:19,537,712, C>T on the plus strand (G>A on the coding strand, the complement: SH3KBP1 is on the minus strand). VCF-style: chrX-19537712-C-T. GRCh37 (hg19) VCF-style: chrX-19555830-C-T.
Other names: c.1827+5G>A (NM_001353890.2); c.1902+5G>A (NM_001353892.2); c.2031+5G>A (NM_001353891.2); c.1959+5G>A (NM_001410757.1); c.2088+5G>A (NM_001410756.1); c.1725+5G>A (NM_001353894.2); c.1854+5G>A (NM_001353893.2); c.1782+5G>A (NM_001353895.2); and 4 more.
Identifiers: ClinVar variation 2957190 (VCV002957190.3), dbSNP rs1337298134, ClinGen allele CA640818565.
Genomic context (GRCh38, chrX:19,537,712, plus strand): 5'-GCCCTCACAATGTCCTGCCCCACTGAGCCTAGGACTCACGGGCAGCAGAACCCAAAGGGA[C>T]GCACCTGCAACCGAAGCCGGATTTTCTTCTCTTCATCCAACTCAGACAATAACTGTTTAA-3'

ClinVar aggregate classification (germline): Uncertain significance (1 of 4 stars; one submission).

Allele frequency attached by ClinVar (database versions not stated): gnomAD exomes below 0.00001; gnomAD 0.00002; TOPMed 0.00002.
gnomAD v4.1: 8 of 1,206,176 alleles (0.00066%); highest among the groups gnomAD compares: Admixed American, 0.0066%; no homozygotes.

Submission:

Labcorp Genetics (formerly Invitae), Labcorp
Classification: Uncertain significance. Last evaluated: 2023-06-27. Review status: criteria provided, single submitter. Criteria: Invitae Variant Classification Sherloc (09022015). Collection method: clinical testing. Allele origin: germline.
Comment: This variant has not been reported in the literature in individuals affected with SH3KBP1-related conditions. This variant is present in population databases (no rsID available, gnomAD 0.004%). This sequence change falls in intron 17 of the SH3KBP1 gene. It does not directly change the encoded amino acid sequence of the SH3KBP1 protein. It affects a nucleotide within the consensus splice site. Variants that disrupt the consensus splice site are a relatively common cause of aberrant splicing (PMID: 17576681, 9536098). Algorithms developed to predict the effect of sequence changes on RNA splicing suggest that this variant may disrupt the consensus splice site. In summary, the available evidence is currently insufficient to determine the role of this variant in disease. Therefore, it has been classified as a Variant of Uncertain Significance.

Literature cited by the submitters: PubMed 17576681; PubMed 9536098.